The following is an entry in ClinVar:

ClinVar aggregate classification (germline): Uncertain significance (1 of 4 stars; one submission).

Submission:

GeneDx
Classification: Uncertain significance. Last evaluated: 2017-06-22. Review status: criteria provided, single submitter. Criteria: GeneDx Variant Classification (06012015). Collection method: clinical testing. Allele origin: germline. Affected: yes.
Comment: The c.38449delGinsAA variant of uncertain significance in the TTN gene has not been published as pathogenic or benign to our knowledge. This variant is not observed in large population cohorts (Lek et al., 2016). In addition, c.38449delGinsAA causes a shift in reading frame starting at codon aspartate 12,817, changing it to a lysine, and creating a premature stop codon at position four of the new reading frame, denoted p.D12817KfsX4. This variant is expected to result in either an abnormal, truncated protein product or loss of protein from this allele through nonsense-mediated mRNA decay. However, other truncating TTN variants have been reported in approximately 3% of control alleles (Herman et al., 2012). Moreover, c.38449delGinsAA is located in the I-band region of titin; while other frameshift variants in the I-band of titin have been reported in association with DCM in the Human Gene Mutation Database, the majority of truncating pathogenic variants associated with DCM have been reported in the A-band (Herman et al., 2012).

NM_001267550.2(TTN):c.43372delinsAA (p.Asp14458fs)

Gene: TTN (titin; minus strand). Cytogenetic location: 2q31.2.
Variant type: Indel.
Coding change: c.43372delinsAA on transcript NM_001267550.2 (MANE Select); coding-DNA position 43372, G replaced by AA.
Protein change: p.Asp14458fs; shifts the reading frame from aspartic acid 14458.
Molecular consequence: frameshift variant.
Genome position (GRCh38, 1-based): chr2:178,632,634, C replaced by TT on the plus strand (G replaced by AA on the coding strand, the reverse complement: TTN is on the minus strand). VCF-style: chr2-178632634-C-TT. GRCh37 (hg19) VCF-style: chr2-179497361-C-TT.
Other names: c.38449delinsAA, p.Asp12817fs (NM_001256850.1); c.16177delinsAA, p.Asp5393fs (NM_003319.4); c.35668delinsAA, p.Asp11890fs (NM_133378.4); c.16552delinsAA, p.Asp5518fs (NM_133432.3); c.16753delinsAA, p.Asp5585fs (NM_133437.4); c.38449delGinsAA (NM_001256850.1); short protein forms D5518fs, D11890fs, D12817fs, D14458fs, D5585fs, D5393fs.
Identifiers: ClinVar variation 450078 (VCV000450078.1), dbSNP rs1553739374, ClinGen allele CA658657166.
Genomic context (GRCh38, chr2:178,632,634, plus strand): 5'-TGTATTTTGCTTCATCTTCAAAAGCAGCTGACTTGATCACCATTGAATGCTTAGTGCCAT[C>TT]CTTTATAAGCTCAAATCTGTCATCACCTGTGATTTCCTGGGTTCCTTTTAGCCAACGGAA-3'